The following is an entry in ClinVar:

ClinVar aggregate classification (germline): Uncertain significance (1 of 4 stars; one submission).

Conditions:
Bardet-Biedl syndrome (BBS). Identifiers: Orphanet 110, MedGen C0752166, MONDO:0015229.

Submission:

Labcorp Genetics (formerly Invitae), Labcorp
Classification: Uncertain significance for Bardet-Biedl syndrome. Last evaluated: 2025-09-10. Review status: criteria provided, single submitter. Criteria: Invitae Variant Classification Sherloc (09022015). Collection method: clinical testing. Allele origin: germline.
Comment: This sequence change replaces arginine, which is basic and polar, with lysine, which is basic and polar, at codon 129 of the BBS5 protein (p.Arg129Lys). This variant also falls at the last nucleotide of exon 5, which is part of the consensus splice site for this exon. This variant is not present in population databases (gnomAD no frequency). This missense change has been observed in individual(s) with clinical features of BBS5-related conditions (internal data). An algorithm developed to predict the effect of missense changes on protein structure and function (PolyPhen-2) suggests that this variant is likely to be tolerated. Variants that disrupt the consensus splice site are a relatively common cause of aberrant splicing (PMID: 17576681, 9536098). Algorithms developed to predict the effect of sequence changes on RNA splicing suggest that this variant may disrupt the consensus splice site. In summary, the available evidence is currently insufficient to determine the role of this variant in disease. Therefore, it has been classified as a Variant of Uncertain Significance.

Literature cited by the submitters: PubMed 17576681; PubMed 9536098.

NM_152384.3(BBS5):c.386G>A (p.Arg129Lys)

Gene: BBS5 (Bardet-Biedl syndrome 5; plus strand). Cytogenetic location: 2q31.1.
Variant type: single nucleotide variant.
Coding change: c.386G>A on transcript NM_152384.3 (MANE Select); coding-DNA position 386, G replaced by A.
Protein change: p.Arg129Lys; replaces arginine 129 with lysine.
Molecular consequence: missense variant.
Genome position (GRCh38, 1-based): chr2:169,488,114, G>A. VCF-style: chr2-169488114-G-A. GRCh37 (hg19) VCF-style: chr2-170344624-G-A.
Other names: short protein forms R129K.
Identifiers: ClinVar variation 4797200 (VCV004797200.1).